The following is an entry in ClinVar:

NM_001365088.1(SLC12A6):c.2650dup (p.Thr884fs)

Gene: SLC12A6 (solute carrier family 12 member 6; minus strand). Cytogenetic location: 15q14.
Variant type: Duplication.
Coding change: c.2650dup on transcript NM_001365088.1 (MANE Select); coding-DNA position 2650, one base duplicated (A; older notation c.2650dupA).
Protein change: p.Thr884fs; shifts the reading frame from threonine 884.
Molecular consequence: frameshift variant.
Genome position (GRCh38, 1-based): chr15:34,238,384, T duplicated on the plus strand (A on the coding strand, the reverse complement: SLC12A6 is on the minus strand); the first of 2 consecutive T bases (chr15:34,238,384-34,238,385); duplicating either gives the same sequence. VCF-style (leftmost placement, unchanged base first): chr15-34238383-G-GT. GRCh37 (hg19) VCF-style: chr15-34530584-G-GT.
Other names: c.2473dup, p.Thr825fs (NM_001042494.2, NM_001042495.2); c.2623dup, p.Thr875fs (NM_001042496.2); c.2605dup, p.Thr869fs (NM_001042497.2); c.2497dup, p.Thr833fs (NM_005135.2); c.2650dup, p.Thr884fs (NM_133647.2); short protein forms T833fs, T825fs, T875fs, T869fs, T884fs.
Identifiers: ClinVar variation 2709946 (VCV002709946.3), dbSNP rs2509753551, ClinGen allele CA2697554297.
Genomic context (GRCh38, chr15:34,238,383, plus strand): 5'-TCCACATTGCTGGGAAAGAAGGAGATGTTTTTAGCCACCAGCAGTGCAAGATGGGCAGCA[G>GT]TTGTCACTCGAACTGTGCCTAGGGAGAAAAAAGAATAAGCAGAGAAGAATCCTTAGGCTT-3'

ClinVar aggregate classification (germline): Pathogenic (1 of 4 stars; one submission).

Submission:

Labcorp Genetics (formerly Invitae), Labcorp
Classification: Pathogenic. Last evaluated: 2024-01-18. Review status: criteria provided, single submitter. Criteria: Invitae Variant Classification Sherloc (09022015). Collection method: clinical testing. Allele origin: germline.
Comment: This sequence change creates a premature translational stop signal (p.Thr884Asnfs*11) in the SLC12A6 gene. It is expected to result in an absent or disrupted protein product. Loss-of-function variants in SLC12A6 are known to be pathogenic (PMID: 12368912, 16606917). This variant is not present in population databases (gnomAD no frequency). This variant has not been reported in the literature in individuals affected with SLC12A6-related conditions. For these reasons, this variant has been classified as Pathogenic.

Literature cited by the submitters: PubMed 12368912; PubMed 16606917.